The following is an entry in ClinVar:

ClinVar aggregate classification (germline): Uncertain significance (1 of 4 stars; one submission).

Submission:

Labcorp Genetics (formerly Invitae), Labcorp
Classification: Uncertain significance. Last evaluated: 2023-07-26. Review status: criteria provided, single submitter. Criteria: Invitae Variant Classification Sherloc (09022015). Collection method: clinical testing. Allele origin: germline.
Comment: In summary, the available evidence is currently insufficient to determine the role of this variant in disease. Therefore, it has been classified as a Variant of Uncertain Significance. Algorithms developed to predict the effect of missense changes on protein structure and function output the following: SIFT: "Not Available"; PolyPhen-2: "Benign"; Align-GVGD: "Not Available". The lysine amino acid residue is found in multiple mammalian species, which suggests that this missense change does not adversely affect protein function. This variant has not been reported in the literature in individuals affected with ICOSLG-related conditions. This variant is present in population databases (rs373042976, gnomAD 0.004%). This sequence change replaces asparagine, which is neutral and polar, with lysine, which is basic and polar, at codon 168 of the ICOSLG protein (p.Asn168Lys).

NM_015259.6(ICOSLG):c.504C>G (p.Asn168Lys)

Gene: ICOSLG (inducible T cell costimulator ligand; minus strand). Cytogenetic location: 21q22.3.
Variant type: single nucleotide variant.
Coding change: c.504C>G on transcript NM_015259.6 (MANE Select); coding-DNA position 504, C replaced by G.
Protein change: p.Asn168Lys; replaces asparagine 168 with lysine.
Molecular consequence: missense variant.
Genome position (GRCh38, 1-based): chr21:44,235,465, G>C on the plus strand (C>G on the coding strand, the complement: ICOSLG is on the minus strand). VCF-style: chr21-44235465-G-C. GRCh37 (hg19) VCF-style: chr21-45655348-G-C.
Other names: c.504C>G, p.Asn168Lys (NM_001283050.2, NM_001395918.1); c.153C>G, p.Asn51Lys (NM_001283051.2); c.249C>G, p.Asn83Lys (NM_001283052.2); c.423C>G, p.Asn141Lys (NM_001365759.2); short protein forms N83K, N141K, N168K, N51K.
Identifiers: ClinVar variation 2906944 (VCV002906944.3), dbSNP rs373042976, ClinGen allele CA321497235.